The following is an entry in ClinVar:

NM_001040108.2(MLH3):c.149T>A (p.Phe50Tyr)

Gene: MLH3 (mutL homolog 3; minus strand). Cytogenetic location: 14q24.3.
Variant type: single nucleotide variant.
Coding change: c.149T>A on transcript NM_001040108.2 (MANE Select); coding-DNA position 149, T replaced by A.
Protein change: p.Phe50Tyr; replaces phenylalanine 50 with tyrosine.
Molecular consequence: missense variant.
Genome position (GRCh38, 1-based): chr14:75,049,507, A>T on the plus strand (T>A on the coding strand, the complement: MLH3 is on the minus strand). VCF-style: chr14-75049507-A-T. GRCh37 (hg19) VCF-style: chr14-75516210-A-T.
Other names: p.Phe50Tyr; c.149T>A, p.Phe50Tyr (NM_014381.3); short protein forms F50Y.
Identifiers: ClinVar variation 314393 (VCV000314393.34), dbSNP rs148409389, ClinGen allele CA7276086.

ClinVar aggregate classification (germline): Conflicting classifications of pathogenicity. Review status: criteria provided, conflicting classifications (1 of 4 stars). 9 submissions from 8 submitters: Uncertain significance (5); Benign (1); Likely benign (3). Last evaluated 2026-01-06.

Conditions:
Hereditary cancer. Identifiers: MedGen C1333600.
Endometrial carcinoma. Also called: Endometrial carcinoma, somatic. Identifiers: MedGen C0476089, MONDO:0002447, OMIM 608089, HP:0012114.
Colorectal cancer, hereditary nonpolyposis, type 7. Identifiers: Orphanet 144, MedGen C1858380, MONDO:0013725, OMIM 614385.
Colorectal cancer. Also called: Malignant Colorectal Neoplasm; Colorectal cancer, somatic. Identifiers: MedGen C0346629, MONDO:0005575, OMIM 114500.

Allele frequency attached by ClinVar (database versions not stated): ESP Exome Variant Server 0.00046; TOPMed 0.00052.
gnomAD v4.1: 778 of 1,614,056 alleles (0.048%); highest among the groups gnomAD compares: Non-Finnish European, 0.046%; 1 homozygote.

Submissions (9):

Labcorp Genetics (formerly Invitae), Labcorp
Classification: Benign for Colorectal cancer, hereditary nonpolyposis, type 7. Last evaluated: 2026-01-06. Review status: criteria provided, single submitter. Criteria: Invitae Variant Classification Sherloc (09022015). Collection method: clinical testing. Allele origin: germline.

Center for Genomic Medicine, Rigshospitalet, Copenhagen University Hospital
Classification: Uncertain significance. Last evaluated: 2025-12-29. Review status: criteria provided, single submitter. Criteria: ACMG Guidelines, 2015. Collection method: clinical testing. Allele origin: germline.
Comment: Classification criteria: BP4_moderate

Blueprint Genetics
Classification: Likely benign. Last evaluated: 2024-11-13. Review status: criteria provided, single submitter. Criteria: ACMG Guidelines, 2015. Collection method: clinical testing. Allele origin: germline.

Mayo Clinic Laboratories, Mayo Clinic
Classification: Uncertain significance. Last evaluated: 2023-12-12. Review status: criteria provided, single submitter. Criteria: ACMG Guidelines, 2015. Collection method: clinical testing. Allele origin: germline. Observed: 2 variant alleles.
Comment: BP4

Department of Pathology and Laboratory Medicine, Sinai Health System
Classification: Uncertain significance for Colorectal cancer; Endometrial carcinoma; Colorectal cancer, hereditary nonpolyposis, type 7. Last evaluated: 2023-11-29. Review status: criteria provided, single submitter. Criteria: ACMG Guidelines, 2015. Collection method: clinical testing. Allele origin: germline. Affected: yes.

Ambry Genetics
Classification: Likely benign. Last evaluated: 2020-06-25. Review status: criteria provided, single submitter. Criteria: Ambry Variant Classification Scheme 2023. Collection method: clinical testing. Allele origin: germline.

Illumina Laboratory Services, Illumina
Classification: Uncertain significance for Colorectal cancer, hereditary nonpolyposis, type 7. Last evaluated: 2018-01-13. Review status: criteria provided, single submitter. Criteria: ICSL Variant Classification Criteria 13 December 2019. Collection method: clinical testing. Allele origin: germline.

Centre for Mendelian Genomics, University Medical Centre Ljubljana
Classification: Likely benign for Endometrial carcinoma. Last evaluated: 2016-01-01. Review status: criteria provided, single submitter. Criteria: ACMG Guidelines, 2015. Collection method: clinical testing. Allele origin: unknown. Affected: yes.
Comment: This variant was classified as: Likely benign. The following ACMG criteria were applied in classifying this variant: BP4,BP6,BS1.

Centre for Mendelian Genomics, University Medical Centre Ljubljana
Classification: Uncertain significance for Hereditary cancer. Last evaluated: 2014-05-20. Review status: criteria provided, single submitter. Criteria: ACMG Guidelines, 2015. Collection method: clinical testing. Allele origin: unknown. Affected: yes.

Literature cited by the submitters: PubMed 35988656 (cited by Department of Pathology and Laboratory Medicine, Sinai Health System).